The following is an entry in ClinVar:

ClinVar aggregate classification (germline): Conflicting classifications of pathogenicity. Review status: criteria provided, conflicting classifications (1 of 4 stars). 13 submissions from 13 submitters: Uncertain significance (10); Likely benign (2). 1 of the submissions does not count toward it. Last evaluated 2026-01-19.

Conditions:
MSH6-related disorder. Also called: MSH6-related condition; MSH6-Related disorders.
Hereditary nonpolyposis colorectal neoplasms. Identifiers: MedGen C0009405, MeSH D003123.
Hereditary cancer-predisposing syndrome. Also called: Hereditary Cancer Syndrome; Tumor predisposition; Neoplastic Syndromes, Hereditary; Hereditary neoplastic syndrome. Identifiers: Orphanet 140162, MedGen C0027672, MeSH D009386, MONDO:0015356.
Lynch syndrome. Identifiers: Orphanet 144, MedGen C4552100, MONDO:0005835. Disease mechanism: loss of function.
Lynch syndrome 5 (LYNCH5). Also called: Hereditary non-polyposis colorectal cancer, type 5; Colorectal cancer, hereditary nonpolyposis, type 5. Identifiers: Orphanet 144, MedGen C1833477, MONDO:0013710, OMIM 614350. Disease mechanism: loss of function.
Endometrial carcinoma. Also called: Endometrial carcinoma, somatic. Identifiers: MedGen C0476089, MONDO:0002447, OMIM 608089, HP:0012114.

Allele frequency attached by ClinVar (database versions not stated): TOPMed 0.00009; 1000 Genomes Project 30x 0.00016; 1000 Genomes Project 0.00020; ExAC 0.00002; gnomAD 0.00004 and 0.00005; ESP Exome Variant Server 0.00008.
gnomAD v4.1: 16 of 1,614,156 alleles (0.00099%); highest among the groups gnomAD compares: African/African-American, 0.021%; no homozygotes.

Submissions (13):

Labcorp Genetics (formerly Invitae), Labcorp
Classification: Likely benign for Hereditary nonpolyposis colorectal neoplasms. Last evaluated: 2026-01-19. Review status: criteria provided, single submitter. Criteria: Invitae Variant Classification Sherloc (09022015). Collection method: clinical testing. Allele origin: germline.

PreventionGenetics, part of Exact Sciences
Classification: Uncertain significance for MSH6-related condition. Last evaluated: 2025-09-24. Review status: criteria provided, single submitter. Criteria: ACMG Guidelines, 2015. Collection method: clinical testing. Allele origin: germline.
Comment: The MSH6 c.2597A>C variant is predicted to result in the amino acid substitution p.Lys866Thr. This variant is reported in 0.025% of alleles in individuals of African descent in gnomAD and has conflicting interpretations of likely benign and uncertain significance in ClinVar (Variation ID: 89291). Although we suspect that this variant may be benign, at this time, the clinical significance of this variant is uncertain due to the absence of conclusive functional and genetic evidence.

Color Diagnostics, LLC DBA Color Health
Classification: Uncertain significance for Hereditary cancer-predisposing syndrome. Last evaluated: 2025-06-23. Review status: criteria provided, single submitter. Criteria: ACMG Guidelines, 2015. Collection method: clinical testing. Allele origin: germline.
Comment: This missense variant replaces lysine with threonine at codon 866 of the MSH6 protein. Computational prediction suggests that this variant may have deleterious impact on protein structure and function. To our knowledge, functional studies have not been reported for this variant. This variant has been reported in a cohort of African men diagnosed with prostate cancer (PMID: 32832836). This variant has been identified in 6/281184 chromosomes in the general population by the Genome Aggregation Database (gnomAD). The available evidence is insufficient to determine the role of this variant in disease conclusively. Therefore, this variant is classified as a Variant of Uncertain Significance.

Quest Diagnostics Nichols Institute San Juan Capistrano
Classification: Uncertain significance. Last evaluated: 2025-03-08. Review status: criteria provided, single submitter. Criteria: Quest Diagnostics criteria. Collection method: clinical testing. Allele origin: unknown.
Comment: The MSH6 c.2597A>C (p.Lys866Thr) variant has been reported in the published literature in a cohort of individuals with prostate cancer as well as reportedly healthy individuals (PMID: 32832836 (2020)). This variant has also been predicted to damaging using in silico methods (PMID: 23621914 (2013)). The frequency of this variant in the general population (Genome Aggregation Database) is uninformative in the assessment of its pathogenicity. Analysis of this variant using bioinformatics tools for the prediction of the effect of amino acid changes on protein structure and function yielded predictions that this variant is damaging. Based on the available information, we are unable to determine the clinical significance of this variant.

Myriad Genetics, Inc.
Classification: Likely benign for Lynch syndrome 5. Last evaluated: 2024-12-31. Review status: criteria provided, single submitter. Criteria: Myriad Autosomal Dominant, Autosomal Recessive and X-Linked Classification Criteria (2023). Collection method: clinical testing. Allele origin: unknown.
Comment: This variant is considered likely benign. This variant is strongly associated with less severe personal and family histories of cancer, typical for individuals without pathogenic variants in this gene [PMID: 27363726].

Ambry Genetics
Classification: Uncertain significance for Hereditary cancer-predisposing syndrome. Last evaluated: 2024-09-26. Review status: criteria provided, single submitter. Criteria: Ambry Variant Classification Scheme 2023. Collection method: clinical testing. Allele origin: germline.
Comment: The p.K866T variant (also known as c.2597A>C), located in coding exon 4 of the MSH6 gene, results from an A to C substitution at nucleotide position 2597. The lysine at codon 866 is replaced by threonine, an amino acid with similar properties. This amino acid position is highly conserved in available vertebrate species. In addition, this alteration is predicted to be deleterious by in silico analysis. Since supporting evidence is limited at this time, the clinical significance of this alteration remains unclear.

GeneDx
Classification: Uncertain significance. Last evaluated: 2024-07-31. Review status: criteria provided, single submitter. Criteria: GeneDx Variant Classification Process June 2021. Collection method: clinical testing. Allele origin: germline. Affected: yes.
Comment: In silico analysis supports that this missense variant has a deleterious effect on protein structure/function; Observed in an individual with cancer undergoing hereditary cancer testing (PMID: 31391288); This variant is associated with the following publications: (PMID: 26333163, 23621914, Abdelraheem[article], 31391288, 17531815, 21120944, 32832836)

Baylor Genetics
Classification: Uncertain significance for Endometrial carcinoma. Last evaluated: 2024-01-28. Review status: criteria provided, single submitter. Criteria: ACMG Guidelines, 2015. Collection method: clinical testing. Allele origin: unknown.

All of Us Research Program, National Institutes of Health
Classification: Uncertain significance for Lynch syndrome. Last evaluated: 2023-12-01. Review status: criteria provided, single submitter. Criteria: ACMG Guidelines, 2015. Collection method: clinical testing. Allele origin: germline. Inheritance: Autosomal dominant inheritance. Observed: 4 variant alleles, 4 heterozygotes.
Comment: This missense variant replaces lysine with threonine at codon 866 of the MSH6 protein. Computational prediction suggests that this variant may have deleterious impact on protein structure and function (internally defined REVEL score threshold >= 0.7, PMID: 27666373). To our knowledge, functional studies have not been reported for this variant. This variant has been reported in a cohort of African men diagnosed with prostate cancer (PMID: 32832836). This variant has been identified in 6/281184 chromosomes in the general population by the Genome Aggregation Database (gnomAD). The available evidence is insufficient to determine the role of this variant in disease conclusively. Therefore, this variant is classified as a Variant of Uncertain Significance.

This study involves interpretation of variants in research participants for the purpose of population health screening. Participant phenotype was not available at the time of variant classification. Additional details can be found in publication PMID: 35346344, PMCID: PMC8962531

Laboratorio de Genetica e Diagnostico Molecular, Hospital Israelita Albert Einstein
Classification: Uncertain significance for Endometrial carcinoma. Last evaluated: 2022-06-14. Review status: criteria provided, single submitter. Criteria: ACMG Guidelines, 2015. Collection method: clinical testing. Allele origin: germline. Affected: yes. Observed: 1 variant allele.
Comment: ACMG classification criteria: PM2 moderated

Sema4
Classification: Uncertain significance for Hereditary cancer-predisposing syndrome. Last evaluated: 2022-02-04. Review status: criteria provided, single submitter. Criteria: Sema4 Curation Guidelines. Collection method: curation. Allele origin: germline.
Comment: The MSH6 c.2597A>C (p.K866T) variant has not been reported in individuals with MSH6-related disease to our knowledge. This variant was observed in 6/24278 chromosomes in the African/African American population according to the Genome Aggregation Database (PMID: 32461654) and has been reported in ClinVar (Variation ID: 89291). In silico tools suggest the impact of the variant on protein function is deleterious, though these predictions have not been confirmed by functional studies. Based on the current evidence available, this variant is interpreted as a variant of uncertain significance.

Genetic Services Laboratory, University of Chicago
Classification: Uncertain significance. Last evaluated: 2016-10-25. Review status: criteria provided, single submitter. Criteria: ACMG Guidelines, 2015. Collection method: clinical testing. Allele origin: germline. Affected: no.

Counsyl
Classification: Uncertain significance for Lynch syndrome 5. Last evaluated: 2017-03-23. Review status: no assertion criteria provided. Collection method: clinical testing. Allele origin: unknown. Not counted in ClinVar's aggregate classification.

Literature cited by the submitters: PubMed 32832836 (cited by 4 submitters); PubMed 23621914 (cited by Quest Diagnostics Nichols Institute San Juan Capistrano and Counsyl); PubMed 27363726 (cited by Myriad Genetics, Inc.).

NM_000179.3(MSH6):c.2597A>C (p.Lys866Thr)

Gene: MSH6 (mutS homolog 6; plus strand). Cytogenetic location: 2p16.3.
Variant type: single nucleotide variant.
Coding change: c.2597A>C on transcript NM_000179.3 (MANE Select); coding-DNA position 2597, A replaced by C.
Protein change: p.Lys866Thr; replaces lysine 866 with threonine.
Molecular consequence: missense variant.
Genome position (GRCh38, 1-based): chr2:47,800,580, A>C. VCF-style: chr2-47800580-A-C. GRCh37 (hg19) VCF-style: chr2-48027719-A-C.
Other names: c.2207A>C, p.Lys736Thr (NM_001281492.2); c.1691A>C, p.Lys564Thr (NM_001281493.2, NM_001281494.2); short protein forms K866T, K564T, K736T.
Identifiers: ClinVar variation 89291 (VCV000089291.39), dbSNP rs190075874, ClinGen allele CA010469.
Genomic context (GRCh38, chr2:47,800,580, plus strand): 5'-AAGAAACTACATACAGCAAGAAGAAGATTATTGATTTTCTTTCTGCTCTGGAAGGATTCA[A>C]AGTAATGTGTAAAATTATAGGGATCATGGAAGAAGTTGCTGATGGTTTTAAGTCTAAAAT-3'
Protein context (NP_000170.1, residues 856-876): IDFLSALEGF[Lys866Thr]VMCKIIGIME